The following is an entry in ClinVar:

NM_004260.4(RECQL4):c.1193C>A (p.Thr398Lys)

Gene: RECQL4 (RecQ like helicase 4; minus strand). Cytogenetic location: 8q24.3.
Variant type: single nucleotide variant.
Coding change: c.1193C>A on transcript NM_004260.4 (MANE Select); coding-DNA position 1193, C replaced by A.
Protein change: p.Thr398Lys; replaces threonine 398 with lysine.
Molecular consequence: missense variant.
Genome position (GRCh38, 1-based): chr8:144,515,829, G>T on the plus strand (C>A on the coding strand, the complement: RECQL4 is on the minus strand). VCF-style: chr8-144515829-G-T. GRCh37 (hg19) VCF-style: chr8-145741213-G-T.
Other names: c.1193C>A (NM_004260.3); short protein forms T398K.
Identifiers: ClinVar variation 1019025 (VCV001019025.6), dbSNP rs1434143797, ClinGen allele CA372687592.

ClinVar aggregate classification (germline): Uncertain significance. Review status: criteria provided, multiple submitters, no conflicts (2 of 4 stars). 2 submissions from 2 submitters: Uncertain significance (2). Last evaluated 2024-12-10.

Conditions:
Inborn genetic diseases. Identifiers: MedGen C0950123, MeSH D030342.
Baller-Gerold syndrome (BGS). Also called: CRANIOSYNOSTOSIS WITH RADIAL DEFECTS. Identifiers: Orphanet 1225, MedGen C0265308, MONDO:0009039, OMIM 218600.

Allele frequency attached by ClinVar (database versions not stated): gnomAD exomes 0.00001.
gnomAD v4.1: 3 of 1,612,908 alleles (0.00019%); highest among the groups gnomAD compares: Non-Finnish European, 0.00025%; no homozygotes.

Submissions (2):

Ambry Genetics
Classification: Uncertain significance for Inborn genetic diseases. Last evaluated: 2024-12-10. Review status: criteria provided, single submitter. Criteria: Ambry Variant Classification Scheme 2023. Collection method: clinical testing. Allele origin: germline.
Comment: The p.T398K variant (also known as c.1193C>A), located in coding exon 6 of the RECQL4 gene, results from a C to A substitution at nucleotide position 1193. The threonine at codon 398 is replaced by lysine, an amino acid with similar properties. This amino acid position is conserved. In addition, this alteration is predicted to be tolerated by in silico analysis. Based on the available evidence, the clinical significance of this variant remains unclear.

Labcorp Genetics (formerly Invitae), Labcorp
Classification: Uncertain significance for Baller-Gerold syndrome. Last evaluated: 2023-02-10. Review status: criteria provided, single submitter. Criteria: Invitae Variant Classification Sherloc (09022015). Collection method: clinical testing. Allele origin: germline.
Comment: This sequence change replaces threonine, which is neutral and polar, with lysine, which is basic and polar, at codon 398 of the RECQL4 protein (p.Thr398Lys). This variant is not present in population databases (gnomAD no frequency). This variant has not been reported in the literature in individuals affected with RECQL4-related conditions. ClinVar contains an entry for this variant (Variation ID: 1019025). Advanced modeling of protein sequence and biophysical properties (such as structural, functional, and spatial information, amino acid conservation, physicochemical variation, residue mobility, and thermodynamic stability) performed at Invitae indicates that this missense variant is not expected to disrupt RECQL4 protein function. In summary, the available evidence is currently insufficient to determine the role of this variant in disease. Therefore, it has been classified as a Variant of Uncertain Significance.